The following is an entry in ClinVar:

ClinVar aggregate classification (germline): Uncertain significance. Review status: criteria provided, multiple submitters, no conflicts (2 of 4 stars). 5 submissions from 5 submitters: Uncertain significance (4). 1 of the submissions does not count toward it. Last evaluated 2024-12-23.

Conditions:
Inborn genetic diseases. Identifiers: MedGen C0950123, MeSH D030342.
Propionic acidemia (PROP). Also called: GLYCINEMIA, KETOTIC; HYPERGLYCINEMIA WITH KETOACIDOSIS AND LEUKOPENIA; KETOTIC HYPERGLYCINEMIA. Identifiers: Orphanet 35, MedGen C0268579, MONDO:0011628, OMIM 606054, HP:0003571.

Allele frequency attached by ClinVar (database versions not stated): ExAC 0.00002; gnomAD exomes 0.00002 and 0.00004; gnomAD 0.00004 and 0.00006; TOPMed 0.00009; 1000 Genomes Project 0.00020; 1000 Genomes Project 30x 0.00031.
gnomAD v4.1: 44 of 1,612,652 alleles (0.0027%); highest among the groups gnomAD compares: Admixed American, 0.017%; no homozygotes.

Submissions (5):

Labcorp Genetics (formerly Invitae), Labcorp
Classification: Uncertain significance for Propionic acidemia. Last evaluated: 2024-12-23. Review status: criteria provided, single submitter. Criteria: Invitae Variant Classification Sherloc (09022015). Collection method: clinical testing. Allele origin: germline.
Comment: This sequence change replaces isoleucine, which is neutral and non-polar, with valine, which is neutral and non-polar, at codon 55 of the PCCB protein (p.Ile55Val). This variant is present in population databases (rs561539546, gnomAD 0.01%). This variant has not been reported in the literature in individuals affected with PCCB-related conditions. ClinVar contains an entry for this variant (Variation ID: 440023). Invitae Evidence Modeling of protein sequence and biophysical properties (such as structural, functional, and spatial information, amino acid conservation, physicochemical variation, residue mobility, and thermodynamic stability) indicates that this missense variant is not expected to disrupt PCCB protein function with a negative predictive value of 80%. In summary, the available evidence is currently insufficient to determine the role of this variant in disease. Therefore, it has been classified as a Variant of Uncertain Significance.

Ambry Genetics
Classification: Uncertain significance for Inborn genetic diseases. Last evaluated: 2024-12-04. Review status: criteria provided, single submitter. Criteria: Ambry Variant Classification Scheme 2023. Collection method: clinical testing. Allele origin: germline.
Comment: The c.163A>G (p.I55V) alteration is located in exon 1 (coding exon 1) of the PCCB gene. This alteration results from a A to G substitution at nucleotide position 163, causing the isoleucine (I) at amino acid position 55 to be replaced by a valine (V). The p.I55V alteration is predicted to be tolerated by in silico analysis. Based on insufficient or conflicting evidence, the clinical significance of this alteration remains unclear.

Women's Health and Genetics/Laboratory Corporation of America, LabCorp
Classification: Uncertain significance. Last evaluated: 2024-02-07. Review status: criteria provided, single submitter. Criteria: LabCorp Variant Classification Summary - May 2015. Collection method: clinical testing. Allele origin: germline.
Comment: Variant summary: PCCB c.163A>G (p.Ile55Val) results in a conservative amino acid change located in the Acetyl-coenzyme A carboxyltransferase, N-terminal domain (IPR011762) of the encoded protein sequence. Three of five in-silico tools predict a benign effect of the variant on protein function. The variant allele was found at a frequency of 3.7e-05 in 240642 control chromosomes (gnomAD). The available data on variant occurrences in the general population are insufficient to allow any conclusion about variant significance. To our knowledge, no occurrence of c.163A>G in individuals affected with Propionic Acidemia and no experimental evidence demonstrating its impact on protein function have been reported. ClinVar contains an entry for this variant (Variation ID: 440023). Based on the evidence outlined above, the variant was classified as uncertain significance.

ARUP Laboratories, Molecular Genetics and Genomics, ARUP Laboratories
Classification: Uncertain significance. Last evaluated: 2017-03-17. Review status: criteria provided, single submitter. Criteria: ARUP Molecular Germline Variant Investigation Process. Collection method: clinical testing. Allele origin: germline.

Natera, Inc.
Classification: Uncertain significance for Propionic acidemia. Last evaluated: 2019-10-28. Review status: no assertion criteria provided. Collection method: clinical testing. Allele origin: germline. Not counted in ClinVar's aggregate classification.

NM_000532.5(PCCB):c.163A>G (p.Ile55Val)

Gene: PCCB (propionyl-CoA carboxylase subunit beta; plus strand). Cytogenetic location: 3q22.3.
Variant type: single nucleotide variant.
Coding change: c.163A>G on transcript NM_000532.5 (MANE Select); coding-DNA position 163, A replaced by G.
Protein change: p.Ile55Val; replaces isoleucine 55 with valine.
Molecular consequence: missense variant.
Genome position (GRCh38, 1-based): chr3:136,250,538, A>G. VCF-style: chr3-136250538-A-G. GRCh37 (hg19) VCF-style: chr3-135969380-A-G.
Other names: c.163A>G, p.Ile55Val (NM_001178014.2); c.163A>G (NM_000532.4); short protein forms I55V.
Identifiers: ClinVar variation 440023 (VCV000440023.16), dbSNP rs561539546, ClinGen allele CA2631588.